The following is an entry in ClinVar:

ClinVar aggregate classification (germline): Uncertain significance. Review status: criteria provided, multiple submitters, no conflicts (2 of 4 stars). 7 submissions from 7 submitters: Uncertain significance (7). Last evaluated 2026-01-26.

Conditions:
Hereditary cancer-predisposing syndrome. Also called: Hereditary neoplastic syndrome; Hereditary Cancer Syndrome; Neoplastic Syndromes, Hereditary; Tumor predisposition. Identifiers: Orphanet 140162, MedGen C0027672, MeSH D009386, MONDO:0015356.
Ataxia-telangiectasia syndrome (AT). Also called: Ataxia-telangiectasia, complementation group D; Cerebello-oculocutaneous telangiectasia; Immunodeficiency with ataxia telangiectasia; ATAXIA-TELANGIECTASIA, COMPLEMENTATION GROUP A; ATAXIA-TELANGIECTASIA, FRESNO VARIANT; LOUIS-BAR SYNDROME. Identifiers: Orphanet 100, MedGen C0004135, MONDO:0008840, OMIM 208900.
Familial cancer of breast. Also called: hereditary breast carcinoma; Hereditary breast cancer; BREAST CANCER, FAMILIAL. Identifiers: Orphanet 227535, MedGen C0346153, MONDO:0016419, OMIM 114480. Disease mechanism: loss of function.

Allele frequency attached by ClinVar (database versions not stated): gnomAD exomes below 0.00001.
gnomAD v4.1: 2 of 1,613,982 alleles (0.00012%); highest among the groups gnomAD compares: Non-Finnish European, 0.00017%; no homozygotes.

Submissions (7):

Labcorp Genetics (formerly Invitae), Labcorp
Classification: Uncertain significance for Ataxia-telangiectasia syndrome. Last evaluated: 2026-01-26. Review status: criteria provided, single submitter. Criteria: Invitae Variant Classification Sherloc (09022015). Collection method: clinical testing. Allele origin: germline.
Comment: This sequence change replaces leucine, which is neutral and non-polar, with phenylalanine, which is neutral and non-polar, at codon 1327 of the ATM protein (p.Leu1327Phe). This variant is not present in population databases (gnomAD no frequency). This variant has not been reported in the literature in individuals affected with ATM-related conditions. ClinVar contains an entry for this variant (Variation ID: 421049). Invitae Evidence Modeling of protein sequence and biophysical properties (such as structural, functional, and spatial information, amino acid conservation, physicochemical variation, residue mobility, and thermodynamic stability) indicates that this missense variant is not expected to disrupt ATM protein function with a negative predictive value of 95%. In summary, the available evidence is currently insufficient to determine the role of this variant in disease. Therefore, it has been classified as a Variant of Uncertain Significance.

Ambry Genetics
Classification: Uncertain significance for Hereditary cancer-predisposing syndrome. Last evaluated: 2025-11-27. Review status: criteria provided, single submitter. Criteria: Ambry Variant Classification Scheme 2023. Collection method: clinical testing. Allele origin: germline.
Comment: The p.L1327F variant (also known as c.3981A>T), located in coding exon 25 of the ATM gene, results from an A to T substitution at nucleotide position 3981. The leucine at codon 1327 is replaced by phenylalanine, an amino acid with highly similar properties. This amino acid position is poorly conserved in available vertebrate species. In addition, this alteration is predicted to be tolerated by in silico analysis. Since supporting evidence is limited at this time, the clinical significance of this alteration remains unclear.

Color Diagnostics, LLC DBA Color Health
Classification: Uncertain significance for Hereditary cancer-predisposing syndrome. Last evaluated: 2024-03-06. Review status: criteria provided, single submitter. Criteria: ACMG Guidelines, 2015. Collection method: clinical testing. Allele origin: germline.
Comment: This missense variant replaces leucine with phenylalanine at codon 1327 of the ATM protein. Computational prediction suggests that this variant may not impact protein structure and function (internally defined REVEL score threshold <= 0.5, PMID: 27666373). To our knowledge, functional studies have not been reported for this variant. This variant has not been reported in individuals affected with ATM-related disorders in the literature. This variant has not been identified in the general population by the Genome Aggregation Database (gnomAD). The available evidence is insufficient to determine the role of this variant in disease conclusively. Therefore, this variant is classified as a Variant of Uncertain Significance.

Baylor Genetics
Classification: Uncertain significance for Familial cancer of breast. Last evaluated: 2023-11-02. Review status: criteria provided, single submitter. Criteria: ACMG Guidelines, 2015. Collection method: clinical testing. Allele origin: unknown.

GeneDx
Classification: Uncertain significance. Last evaluated: 2022-09-22. Review status: criteria provided, single submitter. Criteria: GeneDx Variant Classification Process June 2021. Collection method: clinical testing. Allele origin: germline. Affected: yes.
Comment: Not observed at significant frequency in large population cohorts (gnomAD); In silico analysis supports that this missense variant does not alter protein structure/function; Has not been previously published as pathogenic or benign to our knowledge

Women's Health and Genetics/Laboratory Corporation of America, LabCorp
Classification: Uncertain significance. Last evaluated: 2022-08-05. Review status: criteria provided, single submitter. Criteria: LabCorp Variant Classification Summary - May 2015. Collection method: clinical testing. Allele origin: germline.

Fulgent Genetics
Classification: Uncertain significance for Familial cancer of breast; Ataxia-telangiectasia syndrome. Last evaluated: 2018-10-31. Review status: criteria provided, single submitter. Criteria: ACMG Guidelines, 2015. Collection method: clinical testing. Allele origin: unknown.

NM_000051.4(ATM):c.3981A>T (p.Leu1327Phe)

Gene: ATM (ATM serine/threonine kinase; plus strand). Cytogenetic location: 11q22.3.
Variant type: single nucleotide variant.
Coding change: c.3981A>T on transcript NM_000051.4 (MANE Select); coding-DNA position 3981, A replaced by T.
Protein change: p.Leu1327Phe; replaces leucine 1327 with phenylalanine.
Molecular consequence: missense variant.
Genome position (GRCh38, 1-based): chr11:108,284,461, A>T. VCF-style: chr11-108284461-A-T. GRCh37 (hg19) VCF-style: chr11-108155188-A-T.
Other names: c.3981A>T, p.Leu1327Phe (NM_001351834.2); short protein forms L1327F.
Identifiers: ClinVar variation 421049 (VCV000421049.26), dbSNP rs1064794874, ClinGen allele CA16619170.